The following is an entry in ClinVar:

ClinVar aggregate classification (germline): Likely pathogenic (1 of 4 stars; one submission).

Conditions:
Dilated cardiomyopathy 1G (CMD1G). Identifiers: Orphanet 154, MedGen C1858763, MONDO:0011400, OMIM 604145.
Autosomal recessive limb-girdle muscular dystrophy type 2J (LGMDR10). Also called: MUSCULAR DYSTROPHY, LIMB-GIRDLE, AUTOSOMAL RECESSIVE 10; Limb-girdle muscular dystrophy, type 2J. Identifiers: Orphanet 140922, MedGen C1837342, MONDO:0012127, OMIM 608807.

Submission:

Labcorp Genetics (formerly Invitae), Labcorp
Classification: Likely pathogenic for Dilated cardiomyopathy 1G; Autosomal recessive limb-girdle muscular dystrophy type 2J. Last evaluated: 2020-12-08. Review status: criteria provided, single submitter. Criteria: Invitae Variant Classification Sherloc (09022015). Collection method: clinical testing. Allele origin: germline.
Comment: In summary, the currently available evidence indicates that the variant is pathogenic, but additional data are needed to prove that conclusively. Therefore, this variant has been classified as Likely Pathogenic. This variant is located in the A band of TTN (PMID: 25589632). Truncating variants in this region are significantly overrepresented in patients affected with dilated cardiomyopathy (PMID: 25589632). Truncating variants in this region have also been reported in individuals affected with autosomal recessive centronuclear myopathy (PMID: 23975875). This variant has not been reported in the literature in individuals with TTN-related conditions. This variant is not present in population databases (ExAC no frequency). This sequence change creates a premature translational stop signal (p.Tyr26753*) in the TTN gene. While this is not anticipated to result in nonsense mediated decay, it is expected to create a truncated TTN protein.

Literature cited by the submitters: PubMed 25589632; PubMed 23975875.

NM_001267550.2(TTN):c.80259T>G (p.Tyr26753Ter)

Genes: TTN (titin; minus strand), TTN-AS1 (TTN antisense RNA 1; plus strand). Cytogenetic location: 2q31.2.
Variant type: single nucleotide variant.
Coding change: c.80259T>G on transcript NM_001267550.2 (MANE Select); coding-DNA position 80259, T replaced by G.
Protein change: p.Tyr26753Ter; replaces tyrosine 26753 with a stop codon.
Molecular consequence: nonsense.
Genome position (GRCh38, 1-based): chr2:178,565,873, A>C on the plus strand (T>G on the coding strand, the complement: TTN is on the minus strand). VCF-style: chr2-178565873-A-C. GRCh37 (hg19) VCF-style: chr2-179430600-A-C.
Other names: c.75336T>G, p.Tyr25112Ter (NM_001256850.1); c.53064T>G, p.Tyr17688Ter (NM_003319.4); c.72555T>G, p.Tyr24185Ter (NM_133378.4); c.53439T>G, p.Tyr17813Ter (NM_133432.3); c.53640T>G, p.Tyr17880Ter (NM_133437.4); short protein forms Y26753*, Y25112*, Y17688*, Y17813*, Y17880*, Y24185*.
Identifiers: ClinVar variation 1476095 (VCV001476095.8), dbSNP rs895018646, ClinGen allele CA349589840.